The following is an entry in ClinVar:

ClinVar aggregate classification (germline): Uncertain significance (1 of 4 stars; one submission).

gnomAD v4.1: 33 of 1,613,956 alleles (0.002%); highest among the groups gnomAD compares: Non-Finnish European, 0.0027%; no homozygotes.

Submission:

Labcorp Genetics (formerly Invitae), Labcorp
Classification: Uncertain significance. Last evaluated: 2025-12-14. Review status: criteria provided, single submitter. Criteria: Invitae Variant Classification Sherloc (09022015). Collection method: clinical testing. Allele origin: germline.
Comment: This sequence change replaces arginine, which is basic and polar, with tryptophan, which is neutral and slightly polar, at codon 275 of the WNK4 protein (p.Arg275Trp). This variant is present in population databases (no rsID available, gnomAD 0.007%). This variant has not been reported in the literature in individuals affected with WNK4-related conditions. Invitae Evidence Modeling of protein sequence and biophysical properties (such as structural, functional, and spatial information, amino acid conservation, physicochemical variation, residue mobility, and thermodynamic stability) indicates that this missense variant is not expected to disrupt WNK4 protein function with a negative predictive value of 95%. In summary, the available evidence is currently insufficient to determine the role of this variant in disease. Therefore, it has been classified as a Variant of Uncertain Significance.

NM_032387.5(WNK4):c.823C>T (p.Arg275Trp)

Genes: WNK4 (WNK lysine deficient protein kinase 4; plus strand), LOC126862568 (CDK7 strongly-dependent group 2 enhancer GRCh37_chr17:40934948-40936147; plus strand). Cytogenetic location: 17q21.2.
Variant type: single nucleotide variant.
Coding change: c.823C>T on transcript NM_032387.5 (MANE Select); coding-DNA position 823, C replaced by T.
Protein change: p.Arg275Trp; replaces arginine 275 with tryptophan.
Molecular consequence: missense variant. On other transcripts: 5 prime UTR variant (1).
Genome position (GRCh38, 1-based): chr17:42,783,968, C>T. VCF-style: chr17-42783968-C-T. GRCh37 (hg19) VCF-style: chr17-40935986-C-T.
Other names: c.-97C>T (NM_001321299.2); short protein forms R275W.
Identifiers: ClinVar variation 4706510 (VCV004706510.1).